The following is an entry in ClinVar:

ClinVar aggregate classification (germline): Uncertain significance (1 of 4 stars; one submission).

Submission:

Labcorp Genetics (formerly Invitae), Labcorp
Classification: Uncertain significance. Last evaluated: 2023-11-04. Review status: criteria provided, single submitter. Criteria: Invitae Variant Classification Sherloc (09022015). Collection method: clinical testing. Allele origin: germline.
Comment: This variant, c.2630_2632del, results in the deletion of 1 amino acid(s) of the SETD5 protein (p.Gly877del), but otherwise preserves the integrity of the reading frame. This variant is not present in population databases (gnomAD no frequency). This variant has not been reported in the literature in individuals affected with SETD5-related conditions. Experimental studies and prediction algorithms are not available or were not evaluated, and the functional significance of this variant is currently unknown. In summary, the available evidence is currently insufficient to determine the role of this variant in disease. Therefore, it has been classified as a Variant of Uncertain Significance.

NM_001080517.3(SETD5):c.2630_2632del (p.Gly877del)

Gene: SETD5 (SET domain containing 5; plus strand). Cytogenetic location: 3p25.3.
Variant type: Deletion.
Coding change: c.2630_2632del on transcript NM_001080517.3 (MANE Select); coding-DNA positions 2630 to 2632, 3 bases deleted (GAG; older notation c.2630_2632delGAG).
Protein change: p.Gly877del; deletes glycine 877.
Molecular consequence: inframe deletion.
Genome position (GRCh38, 1-based): chr3:9,464,578-9,464,580, GAG deleted; deleting any 3 consecutive bases within chr3:9,464,576-9,464,580 gives the same sequence; the c. name uses the placement nearest the transcript's 3' end. VCF-style (leftmost placement, unchanged base first): chr3-9464575-CAGG-C. GRCh37 (hg19) VCF-style: chr3-9506259-CAGG-C.
Other names: c.2336_2338del, p.Gly779del (NM_001292043.2, NM_001349451.2); short protein forms G779del, G877del.
Identifiers: ClinVar variation 2693141 (VCV002693141.3), dbSNP rs2044339909, ClinGen allele CA1344745358.